The following is an entry in ClinVar:

ClinVar aggregate classification (germline): Pathogenic (1 of 4 stars; one submission).

Conditions:
Hereditary spastic paraplegia 49 (HSAN9). Also called: Spastic paraplegia 49, autosomal recessive; TECPR2-Related Hereditary Sensory and Autonomic Neuropathy with Intellectual Disability; NEUROPATHY, HEREDITARY SENSORY AND AUTONOMIC, TYPE IX, WITH DEVELOPMENTAL DELAY. Identifiers: Orphanet 320385, MedGen C5190860, MONDO:0014016, OMIM 615031.

Submission:

Labcorp Genetics (formerly Invitae), Labcorp
Classification: Pathogenic for Hereditary spastic paraplegia 49. Last evaluated: 2023-11-21. Review status: criteria provided, single submitter. Criteria: Invitae Variant Classification Sherloc (09022015). Collection method: clinical testing. Allele origin: unknown.
Comment: This variant is a gross deletion of the genomic region encompassing exon(s) 7-8 of the TECPR2 gene. This deletion is out-of-frame, and is expected to create a premature termination codon and result in an absent or disrupted protein product. Loss-of-function variants in TECPR2 are known to be pathogenic (PMID: 23176824, 25590979). This variant has not been reported in the literature in individuals affected with TECPR2-related conditions. For these reasons, this variant has been classified as Pathogenic.

Literature cited by the submitters: PubMed 23176824; PubMed 25590979.

NC_000014.8:g.(?_102894567)_(102898485_?)del

Gene: TECPR2 (tectonin beta-propeller repeat containing 2; plus strand). Cytogenetic location: 14q32.31.
Variant type: Deletion.
Identifiers: ClinVar variation 3244026 (VCV003244026.1).